The following is an entry in ClinVar:

NM_015346.4(ZFYVE26):c.5592_5593del (p.Cys1864_Asp1865delinsTer)

Gene: ZFYVE26 (zinc finger FYVE-type containing 26; minus strand). Cytogenetic location: 14q24.1.
Variant type: Microsatellite.
Coding change: c.5592_5593del on transcript NM_015346.4 (MANE Select); coding-DNA positions 5592 to 5593, 2 bases deleted (TG; older notation c.5592_5593delTG).
Protein change: p.Cys1864_Asp1865delinsTer.
Molecular consequence: nonsense.
Genome position (GRCh38, 1-based): chr14:67,769,622-67,769,623, CA deleted on the plus strand (TG on the coding strand, the reverse complement: ZFYVE26 is on the minus strand); deleting any 2 consecutive bases within chr14:67,769,622-67,769,630 gives the same sequence; the c. name uses the placement nearest the transcript's 3' end. VCF-style (leftmost placement, unchanged base first): chr14-67769621-TCA-T. GRCh37 (hg19) VCF-style: chr14-68236338-TCA-T.
Identifiers: ClinVar variation 3603788 (VCV003603788.2).

ClinVar aggregate classification (germline): Pathogenic (1 of 4 stars; one submission).

Conditions:
Spastic paraplegia. Identifiers: MedGen C0037772, HP:0001258.

Submission:

Labcorp Genetics (formerly Invitae), Labcorp
Classification: Pathogenic for Spastic paraplegia. Last evaluated: 2024-09-18. Review status: criteria provided, single submitter. Criteria: Invitae Variant Classification Sherloc (09022015). Collection method: clinical testing. Allele origin: germline.
Comment: This sequence change creates a premature translational stop signal (p.Cys1864*) in the ZFYVE26 gene. It is expected to result in an absent or disrupted protein product. Loss-of-function variants in ZFYVE26 are known to be pathogenic (PMID: 18394578, 19805727). This variant is not present in population databases (gnomAD no frequency). This variant has not been reported in the literature in individuals affected with ZFYVE26-related conditions. For these reasons, this variant has been classified as Pathogenic.

Literature cited by the submitters: PubMed 18394578; PubMed 19805727.